The following is an entry in ClinVar:

ClinVar aggregate classification (germline): Uncertain significance. Review status: criteria provided, multiple submitters, no conflicts (2 of 4 stars). 2 submissions from 2 submitters: Uncertain significance (2). Last evaluated 2025-11-13.

Conditions:
Facioscapulohumeral muscular dystrophy 2 (FSHD2). Also called: FACIOSCAPULOHUMERAL MUSCULAR DYSTROPHY 2, DIGENIC; FSHD2, DIGENIC; MUSCULAR DYSTROPHY, FACIOSCAPULOHUMERAL, TYPE 1B. Identifiers: Orphanet 269, MedGen C1834671, MONDO:0008031, OMIM 158901.
Inborn genetic diseases. Identifiers: MedGen C0950123, MeSH D030342.

Allele frequency attached by ClinVar (database versions not stated): gnomAD exomes 0.00002; gnomAD 0.00003; TOPMed 0.00003; ExAC 0.00005.
gnomAD v4.1: 32 of 1,531,980 alleles (0.0021%); highest among the groups gnomAD compares: South Asian, 0.0025%; no homozygotes.

Submissions (2):

Labcorp Genetics (formerly Invitae), Labcorp
Classification: Uncertain significance for Facioscapulohumeral muscular dystrophy 2. Last evaluated: 2025-11-13. Review status: criteria provided, single submitter. Criteria: Invitae Variant Classification Sherloc (09022015). Collection method: clinical testing. Allele origin: germline.
Comment: This sequence change replaces arginine, which is basic and polar, with glutamine, which is neutral and polar, at codon 1795 of the SMCHD1 protein (p.Arg1795Gln). The frequency data for this variant in the population databases is considered unreliable, as metrics indicate poor data quality at this position in the gnomAD database. This variant has not been reported in the literature in individuals affected with SMCHD1-related conditions. ClinVar contains an entry for this variant (Variation ID: 1929454). Invitae Evidence Modeling of protein sequence and biophysical properties (such as structural, functional, and spatial information, amino acid conservation, physicochemical variation, residue mobility, and thermodynamic stability) indicates that this missense variant is not expected to disrupt SMCHD1 protein function with a negative predictive value of 80%. In summary, the available evidence is currently insufficient to determine the role of this variant in disease. Therefore, it has been classified as a Variant of Uncertain Significance.

Ambry Genetics
Classification: Uncertain significance for Inborn genetic diseases. Last evaluated: 2022-04-07. Review status: criteria provided, single submitter. Criteria: Ambry Variant Classification Scheme 2023. Collection method: clinical testing. Allele origin: germline.

NM_015295.3(SMCHD1):c.5384G>A (p.Arg1795Gln)

Gene: SMCHD1 (structural maintenance of chromosomes flexible hinge domain containing 1; plus strand). Cytogenetic location: 18p11.32.
Variant type: single nucleotide variant.
Coding change: c.5384G>A on transcript NM_015295.3 (MANE Select); coding-DNA position 5384, G replaced by A.
Protein change: p.Arg1795Gln; replaces arginine 1795 with glutamine.
Molecular consequence: missense variant.
Genome position (GRCh38, 1-based): chr18:2,777,823, G>A. VCF-style: chr18-2777823-G-A. GRCh37 (hg19) VCF-style: chr18-2777821-G-A.
Other names: short protein forms R1795Q.
Identifiers: ClinVar variation 1929454 (VCV001929454.6), dbSNP rs773281523, ClinGen allele CA8871716.